The following is an entry in ClinVar:

NM_000088.4(COL1A1):c.999C>T (p.Pro333=)

Gene: COL1A1 (collagen type I alpha 1 chain; minus strand). Cytogenetic location: 17q21.33.
Variant type: single nucleotide variant.
Coding change: c.999C>T on transcript NM_000088.4 (MANE Select); coding-DNA position 999, C replaced by T.
Protein change: p.Pro333=; no amino-acid change (proline 333 retained).
Molecular consequence: synonymous variant.
Genome position (GRCh38, 1-based): chr17:50,196,158, G>A on the plus strand (C>T on the coding strand, the complement: COL1A1 is on the minus strand). VCF-style: chr17-50196158-G-A. GRCh37 (hg19) VCF-style: chr17-48273519-G-A.
Other names: p.Pro333=.
Identifiers: ClinVar variation 35931 (VCV000035931.29), dbSNP rs62637627, ClinGen allele CA260330.
Genomic context (GRCh38, chr17:50,196,158, plus strand): 5'-GCAGATACTGAGACCCCTCCCCACTCCCAGGCCCTGAGGCCTACAGGCCACACTCACAGG[G>A]GGCCCGGCAGCACCAGTAGCACCATCATTTCCACGAGCACCCTGCAGGAGAGAGGGGAAG-3'
Protein context (NP_000079.2, residues 323-343): GNDGATGAAG[Pro333=]PGPTGPAGPP

ClinVar aggregate classification (germline): Benign/Likely benign. Review status: criteria provided, multiple submitters, no conflicts (2 of 4 stars). 11 submissions from 11 submitters: Benign (3); Likely benign (7). 1 of the submissions does not count toward it. Last evaluated 2026-09-21.

Conditions:
COL1A1-related disorder. Also called: COL1A1-related condition; COL1A1- related disease.
Cardiovascular phenotype. Identifiers: MedGen CN230736.
Ehlers-Danlos syndrome (EDS). Identifiers: Orphanet 98249, MedGen C0013720, MONDO:0020066.
Osteogenesis imperfecta type I (OI1). Also called: Lobstein's Disease; Osteogenesis imperfecta type 1; Lobstein disease; OI, TYPE I; OSTEOGENESIS IMPERFECTA TARDA; OSTEOGENESIS IMPERFECTA WITH BLUE SCLERAE. Identifiers: Orphanet 216796, Orphanet 666, MedGen C0023931, MONDO:0008146, OMIM 166200. Disease mechanism: loss of function.

Allele frequency attached by ClinVar (database versions not stated): gnomAD exomes 0.00054 and 0.00020; gnomAD 0.00206 and 0.00222; TOPMed 0.00242; ESP Exome Variant Server 0.00308; 1000 Genomes Project 30x 0.00297; 1000 Genomes Project 0.00300; ExAC 0.00071.
gnomAD v4.1: 633 of 1,614,002 alleles (0.039%); highest among the groups gnomAD compares: African/African-American, 0.7%; 3 homozygotes.

Submissions (11):

Molecular Diagnostic Laboratory for Inherited Cardiovascular Disease, Montreal Heart Institute
Classification: Likely benign. Last evaluated: 2026-09-21. Review status: criteria provided, single submitter. Criteria: ACMG Guidelines, 2015. Collection method: clinical testing. Allele origin: germline. Affected: no.
Comment: BS1;BP7

Labcorp Genetics (formerly Invitae), Labcorp
Classification: Benign for Osteogenesis imperfecta type I. Last evaluated: 2026-01-20. Review status: criteria provided, single submitter. Criteria: Invitae Variant Classification Sherloc (09022015). Collection method: clinical testing. Allele origin: germline.

Women's Health and Genetics/Laboratory Corporation of America, LabCorp
Classification: Benign. Last evaluated: 2024-12-06. Review status: criteria provided, single submitter. Criteria: LabCorp Variant Classification Summary - May 2015. Collection method: clinical testing. Allele origin: germline.

ARUP Laboratories, Molecular Genetics and Genomics, ARUP Laboratories
Classification: Benign. Last evaluated: 2024-12-05. Review status: criteria provided, single submitter. Criteria: ARUP Molecular Germline Variant Investigation Process 2024. Collection method: clinical testing. Allele origin: germline.

Blueprint Genetics
Classification: Likely benign. Last evaluated: 2024-10-08. Review status: criteria provided, single submitter. Criteria: ACMG Guidelines, 2015. Collection method: clinical testing. Allele origin: germline.

Mayo Clinic Laboratories, Mayo Clinic
Classification: Likely benign. Last evaluated: 2023-12-22. Review status: criteria provided, single submitter. Criteria: ACMG Guidelines, 2015. Collection method: clinical testing. Allele origin: germline. Observed: 6 variant alleles.
Comment: BS1, BP4, BP7

Genome Diagnostics Laboratory, The Hospital for Sick Children
Classification: Likely benign for Ehlers-Danlos syndrome. Last evaluated: 2022-05-10. Review status: criteria provided, single submitter. Criteria: ACMG Guidelines, 2015. Collection method: clinical testing. Allele origin: germline.

GeneDx
Classification: Likely benign. Last evaluated: 2020-07-28. Review status: criteria provided, single submitter. Criteria: GeneDx Variant Classification Process June 2021. Collection method: clinical testing. Allele origin: germline. Affected: yes.

Ambry Genetics
Classification: Likely benign for Cardiovascular phenotype. Last evaluated: 2019-12-05. Review status: criteria provided, single submitter. Criteria: Ambry Variant Classification Scheme 2023. Collection method: clinical testing. Allele origin: germline.

Breakthrough Genomics
Classification: Likely benign. Review status: criteria provided, single submitter. Criteria: ACMG Guidelines, 2015. Collection method: not provided. Allele origin: germline. Inheritance: Autosomal dominant inheritance. Affected: yes.

PreventionGenetics, part of Exact Sciences
Classification: Benign for COL1A1-related condition. Last evaluated: 2019-08-03. Review status: no assertion criteria provided. Collection method: clinical testing. Allele origin: germline. Not counted in ClinVar's aggregate classification.
Comment: This variant is classified as benign based on ACMG/AMP sequence variant interpretation guidelines (Richards et al. 2015 PMID: 25741868, with internal and published modifications).